The following is an entry in ClinVar:

NM_001032386.2(SUOX):c.475G>T (p.Glu159Ter)

Gene: SUOX (sulfite oxidase; plus strand). Cytogenetic location: 12q13.2.
Variant type: single nucleotide variant.
Coding change: c.475G>T on transcript NM_001032386.2 (MANE Select); coding-DNA position 475, G replaced by T.
Protein change: p.Glu159Ter; replaces glutamic acid 159 with a stop codon.
Molecular consequence: nonsense.
Genome position (GRCh38, 1-based): chr12:56,003,864, G>T. VCF-style: chr12-56003864-G-T. GRCh37 (hg19) VCF-style: chr12-56397648-G-T.
Other names: c.475G>T, p.Glu159Ter (NM_000456.3, NM_001032387.2); short protein forms E159*.
Identifiers: ClinVar variation 997770 (VCV000997770.3), dbSNP rs370951378, ClinGen allele CA385283920.

ClinVar aggregate classification (germline): Likely pathogenic (0 of 4 stars; one submission).

Conditions:
Sulfite oxidase deficiency. Also called: Isolated sulfite oxidase deficiency. Identifiers: Orphanet 833, Orphanet 99731, MedGen C0268624, MONDO:0010089, OMIM 272300, HP:0003643.

Submission:

Shaanxi Institute for Pediatric Diseases, Xi'an Children's Hospital
Classification: Likely pathogenic for Sulfite oxidase deficiency. Last evaluated: 2020-09-01. Review status: no assertion criteria provided. Collection method: research. Allele origin: inherited. Inheritance: Autosomal recessive inheritance. Affected: yes.